The following is an entry in ClinVar:

NM_000548.5(TSC2):c.1443+8T>A

Gene: TSC2 (TSC complex subunit 2; plus strand). Cytogenetic location: 16p13.3.
Variant type: single nucleotide variant.
Coding change: c.1443+8T>A on transcript NM_000548.5 (MANE Select); 8 bases into the intron after coding-DNA position 1443, T replaced by A.
Molecular consequence: intron variant.
Genome position (GRCh38, 1-based): chr16:2,063,061, T>A. VCF-style: chr16-2063061-T-A. GRCh37 (hg19) VCF-style: chr16-2113062-T-A.
Other names: c.99+8T>A (NM_001406693.1, NM_001406689.1, NM_001406690.1 and 6 more transcripts); c.1533+8T>A (NM_001406667.1, NM_001406668.1); c.843+8T>A (NM_001406680.1, NM_001406683.1, NM_001406687.1 and 6 more transcripts); c.-160+461T>A (NM_001406698.1); c.1443+8T>A (NM_001114382.3, NM_001406663.1, NM_001406664.1 and 6 more transcripts); c.1431+8T>A (NM_001406671.1, NM_001406673.1); c.981+8T>A (NM_001406681.1); c.1332+8T>A (NM_001406670.1, NM_001318827.2, NM_001406678.1); and 3 more.
Identifiers: ClinVar variation 2837932 (VCV002837932.4), dbSNP rs1412278532, ClinGen allele CA2731619515.

ClinVar aggregate classification (germline): Likely benign. Review status: criteria provided, multiple submitters, no conflicts (2 of 4 stars). 2 submissions from 2 submitters: Likely benign (2). Last evaluated 2025-05-14.

Conditions:
Tuberous sclerosis 2 (TSC2). Identifiers: Orphanet 805, MedGen C1860707, MONDO:0013199, OMIM 613254.

Submissions (2):

Myriad Genetics, Inc.
Classification: Likely benign for Tuberous sclerosis 2. Last evaluated: 2025-05-14. Review status: criteria provided, single submitter. Criteria: Myriad Autosomal Dominant, Autosomal Recessive and X-Linked Classification Criteria (2023). Collection method: clinical testing. Allele origin: unknown.
Comment: This variant is considered likely benign. This variant is intronic and is not expected to impact mRNA splicing.

Labcorp Genetics (formerly Invitae), Labcorp
Classification: Likely benign for Tuberous sclerosis 2. Last evaluated: 2023-10-06. Review status: criteria provided, single submitter. Criteria: Invitae Variant Classification Sherloc (09022015). Collection method: clinical testing. Allele origin: germline.